The following is an entry in ClinVar:

ClinVar aggregate classification (germline): Pathogenic (1 of 4 stars; one submission).

Conditions:
Familial cancer of breast. Also called: hereditary breast carcinoma; Hereditary breast cancer; BREAST CANCER, FAMILIAL. Identifiers: Orphanet 227535, MedGen C0346153, MONDO:0016419, OMIM 114480. Disease mechanism: loss of function.

Submission:

Labcorp Genetics (formerly Invitae), Labcorp
Classification: Pathogenic for Familial cancer of breast. Last evaluated: 2023-07-19. Review status: criteria provided, single submitter. Criteria: Invitae Variant Classification Sherloc (09022015). Collection method: clinical testing. Allele origin: germline.
Comment: For these reasons, this variant has been classified as Pathogenic. Retrotransposon insertions including LINE1 (L1), Alu, and SVA (SINE-VNTR-Alu) have been reported to be disease-causing through disruption of either a coding region or splice site (PMID: 19763152, 20307669, 22406018) and loss-of-function variants in PALB2 are known to be pathogenic (PMID: 17200668, 17200671, 17200672, 24136930, 25099575). This variant has not been reported in the literature in individuals affected with PALB2-related conditions. This variant is not present in population databases (gnomAD no frequency). This sequence change inserts a large fragment of DNA, likely a transposable element, in exon 4 of the PALB2 gene (c.849_850ins?), causing a frameshift at codon 284 (p.Thr284fs). The exact size and sequence of the insertion cannot be determined by the current assay. However, the insertion is expected to result in an absent or disrupted protein product.

Literature cited by the submitters: PubMed 19763152; PubMed 20307669; PubMed 22406018; PubMed 17200668; PubMed 17200671; PubMed 17200672; PubMed 24136930; PubMed 25099575.

NM_024675.4(PALB2):c.849_850insGGCCGGGCGCGGTGGCTCACGCCTGTAATCCCAGCACGTTGGGAGGCCGAGGCGGGCGGATCACGAGGTCAGGNNNNNNNNNNAAAAAAAAAAAAAAAAAAAAAAAAAACATTAGATTT (p.Thr284fs)

Gene: PALB2 (partner and localizer of BRCA2; minus strand). Cytogenetic location: 16p12.2.
Variant type: Insertion.
Coding change: c.849_850insGGCCGGGCGCGGTGGCTCACGCCTGTAATCCCAGCACGTTGGGAGGCCGAGGCGGGCGGATCACGAGGTCAGGNNNNNNNNNNAAAAAAAAAAAAAAAAAAAAAAAAAACATTAGATTT on transcript NM_024675.4 (MANE Select); coding-DNA positions 849 to 850, GGCCGGGCGCGGTGGCTCACGCCTGTAATCCCAGCACGTTGGGAGGCCGAGGCGGGCGGATCACGAGGTCAGGNNNNNNNNNNAAAAAAAAAAAAAAAAAAAAAAAAAACATTAGATTT inserted.
Protein change: p.Thr284fs; shifts the reading frame from threonine 284.
Molecular consequence: frameshift variant. On other transcripts: 5 prime UTR variant (8), intron variant (3).
Genome position: GRCh38: chr16:23,635,712-23,635,713. GRCh37 (hg19): chr16:23,647,033-23,647,034.
Other names: c.789_790insGGCCGGGCGCGGTGGCTCACGCCTGTAATCCCAGCACGTTGGGAGGCCGAGGCGGGCGGATCACGAGGTCAGGNNNNNNNNNNAAAAAAAAAAAAAAAAAAAAAAAAAACATTAGATTT, p.Thr264fs (NM_001407296.1); c.849_850insGGCCGGGCGCGGTGGCTCACGCCTGTAATCCCAGCACGTTGGGAGGCCGAGGCGGGCGGATCACGAGGTCAGGNNNNNNNNNNAAAAAAAAAAAAAAAAAAAAAAAAAACATTAGATTT, p.Thr284fs (NM_001407297.1, NM_001407298.1, NM_001407299.1 and 3 more transcripts); c.-52_-37A[6]CATTAGATTTGGCCGGGCGCGGTGGCTCACGCCTGTAATCCCAGCACGTTGGGAGGCCGAGGCGGGCGGATCACGAGGTCAGGNNNNNNNNNNAAAAAAAAAAAAAAAAAAAAAAAAAACATTAGATTT[1] (NM_001407304.1, NM_001407305.1, NM_001407306.1 and 5 more transcripts); c.48+5413_48+5414insAAAAAACATTAGATTTGGCCGGGCGCGGTGGCTCACGCCTGTAATCCCAGCACGTTGGGAGGCCGAGGCGGGCGGATCACGAGGTCAGGNNNNNNNNNNAAAAAAAAAAAAAAAAAAAA (NM_001407314.1); c.-104-5228_-104-5227insAAAAAACATTAGATTTGGCCGGGCGCGGTGGCTCACGCCTGTAATCCCAGCACGTTGGGAGGCCGAGGCGGGCGGATCACGAGGTCAGGNNNNNNNNNNAAAAAAAAAAAAAAAAAAAA (NM_001407313.1, NM_001407312.1); short protein forms T264fs, T284fs.
Identifiers: ClinVar variation 2745355 (VCV002745355.3), dbSNP rs2506497835.